The following is an entry in ClinVar:

ClinVar aggregate classification (germline): Benign (1 of 4 stars; one submission).

Submission:

GeneDx
Classification: Benign. Last evaluated: 2018-06-16. Review status: criteria provided, single submitter. Criteria: GeneDx Variant Classification (06012015). Collection method: clinical testing. Allele origin: germline. Affected: yes.
Comment: This variant is considered likely benign or benign based on one or more of the following criteria: it is a conservative change, it occurs at a poorly conserved position in the protein, it is predicted to be benign by multiple in silico algorithms, and/or has population frequency not consistent with disease.

NM_001351169.2(NT5C2):c.771+282_771+283del

Gene: NT5C2 (5'-nucleotidase, cytosolic II; minus strand). Cytogenetic location: 10q24.32.
Variant type: Deletion.
Coding change: c.771+282_771+283del on transcript NM_001351169.2 (MANE Select); bases 282 to 283 of the intron after coding-DNA position 771, 2 bases deleted (TT; older notation c.771+282_771+283delTT).
Molecular consequence: intron variant.
Genome position (GRCh38, 1-based): chr10:103,097,008-103,097,009, AA deleted on the plus strand (TT on the coding strand, the reverse complement: NT5C2 is on the minus strand); deleting any 2 consecutive bases within chr10:103,097,008-103,097,010 gives the same sequence; the c. name uses the placement nearest the transcript's 3' end. VCF-style (leftmost placement, unchanged base first): chr10-103097007-CAA-C. GRCh37 (hg19) VCF-style: chr10-104856764-CAA-C.
Other names: c.684+282_684+283del (NM_001351174.1); c.198+282_198+283del (NM_001351191.1, NM_001351192.1, NM_001351193.1 and 16 more transcripts); c.57+282_57+283del (NM_001351194.2, NM_001351195.2, NM_001351196.2); c.771+282_771+283del (NM_001134373.3, NM_012229.5); c.795+282_795+283del (NM_001351170.2, NM_001351171.2, NM_001351172.2 and 1 more transcripts); c.678+282_678+283del (NM_001351175.2).
Identifiers: ClinVar variation 673890 (VCV000673890.1), dbSNP rs3215816, ClinGen allele CA212326315.